The following is an entry in ClinVar:

NM_014425.5(INVS):c.3130G>C (p.Gly1044Arg)

Gene: INVS (inversin; plus strand). Cytogenetic location: 9q31.1.
Variant type: single nucleotide variant.
Coding change: c.3130G>C on transcript NM_014425.5 (MANE Select); coding-DNA position 3130, G replaced by C.
Protein change: p.Gly1044Arg; replaces glycine 1044 with arginine.
Molecular consequence: missense variant. On other transcripts: non-coding transcript variant (1).
Genome position (GRCh38, 1-based): chr9:100,300,606, G>C. VCF-style: chr9-100300606-G-C. GRCh37 (hg19) VCF-style: chr9-103062888-G-C.
Other names: c.2842G>C, p.Gly948Arg (NM_001318381.2); c.2152G>C, p.Gly718Arg (NM_001318382.2); short protein forms G1044R, G718R, G948R.
Identifiers: ClinVar variation 4992033 (VCV004992033.1).

ClinVar aggregate classification (germline): Uncertain significance (1 of 4 stars; one submission).

Conditions:
INVS-related disorder. Also called: INVS-related condition.

Submission:

PreventionGenetics, part of Exact Sciences
Classification: Uncertain significance for INVS-related condition. Last evaluated: 2026-03-11. Review status: criteria provided, single submitter. Criteria: ACMG Guidelines, 2015. Collection method: clinical testing. Allele origin: germline.
Comment: The INVS c.3130G>C variant is predicted to result in the amino acid substitution p.Gly1044Arg. To our knowledge, this variant has not been reported in the literature or in a large population database (gnomAD), indicating this variant is rare. At this time, the clinical significance of this variant is uncertain due to the absence of conclusive functional and genetic evidence.